The following is an entry in ClinVar:

ClinVar aggregate classification (germline): Likely benign. Review status: criteria provided, multiple submitters, no conflicts (2 of 4 stars). 4 submissions from 4 submitters: Likely benign (4). Last evaluated 2025-02-26.

Conditions:
Cardiovascular phenotype. Identifiers: MedGen CN230736.
Long QT syndrome (LQTS). Identifiers: MedGen C0023976, MeSH D008133, MONDO:0002442. Disease mechanism: loss of function. Inheritance: Various modes of inheritance.

Allele frequency attached by ClinVar (database versions not stated): ExAC 0.00001; gnomAD exomes 0.00002.

Submissions (4):

Labcorp Genetics (formerly Invitae), Labcorp
Classification: Likely benign for Long QT syndrome. Last evaluated: 2025-02-26. Review status: criteria provided, single submitter. Criteria: Invitae Variant Classification Sherloc (09022015). Collection method: clinical testing. Allele origin: germline.

Ambry Genetics
Classification: Likely benign for Cardiovascular phenotype. Last evaluated: 2023-01-20. Review status: criteria provided, single submitter. Criteria: Ambry Variant Classification Scheme 2023. Collection method: clinical testing. Allele origin: germline.

GeneDx
Classification: Likely benign. Last evaluated: 2018-04-13. Review status: criteria provided, single submitter. Criteria: GeneDx Variant Classification (06012015). Collection method: clinical testing. Allele origin: germline. Affected: yes.
Comment: This variant is considered likely benign or benign based on one or more of the following criteria: it is a conservative change, it occurs at a poorly conserved position in the protein, it is predicted to be benign by multiple in silico algorithms, and/or has population frequency not consistent with disease.

Breakthrough Genomics
Classification: Likely benign. Review status: criteria provided, single submitter. Criteria: ACMG Guidelines, 2015. Collection method: not provided. Allele origin: germline. Inheritance: Autosomal dominant inheritance. Affected: yes.

NM_000719.7(CACNA1C):c.810C>T (p.His270=)

Gene: CACNA1C (calcium voltage-gated channel subunit alpha1 C; plus strand). Cytogenetic location: 12p13.33.
Variant type: single nucleotide variant.
Coding change: c.810C>T on transcript NM_000719.7 (MANE Select); coding-DNA position 810, C replaced by T.
Protein change: p.His270=; no amino-acid change (histidine 270 retained).
Molecular consequence: synonymous variant.
Genome position (GRCh38, 1-based): chr12:2,486,156, C>T. VCF-style: chr12-2486156-C-T. GRCh37 (hg19) VCF-style: chr12-2595322-C-T.
Other names: c.810C>T, p.His270= (NM_001129827.2, NM_001129829.2, NM_001129830.3 and 19 more transcripts).
Identifiers: ClinVar variation 681962 (VCV000681962.13), dbSNP rs780247399, ClinGen allele CA6388541.